The following is an entry in ClinVar:

NM_017763.6(RNF43):c.1976G>A (p.Gly659Asp)

Gene: RNF43 (ring finger protein 43; minus strand). Cytogenetic location: 17q22.
Variant type: single nucleotide variant.
Coding change: c.1976G>A on transcript NM_017763.6 (MANE Select); coding-DNA position 1976, G replaced by A.
Protein change: p.Gly659Asp; replaces glycine 659 with aspartic acid.
Molecular consequence: missense variant.
Genome position (GRCh38, 1-based): chr17:58,357,800, C>T on the plus strand (G>A on the coding strand, the complement: RNF43 is on the minus strand). VCF-style: chr17-58357800-C-T. GRCh37 (hg19) VCF-style: chr17-56435161-C-T.
Other names: c.1976G>A (NM_017763.4); c.1976G>A, p.Gly659Asp (NM_001305544.3); c.1595G>A, p.Gly532Asp (NM_001305545.2); short protein forms G532D, G659D.
Identifiers: ClinVar variation 3240357 (VCV003240357.3), dbSNP rs769970658.

ClinVar aggregate classification (germline): Uncertain significance. Review status: criteria provided, multiple submitters, no conflicts (2 of 4 stars). 3 submissions from 3 submitters: Uncertain significance (3). Last evaluated 2025-09-01.

Conditions:
Sessile serrated polyposis cancer syndrome (SSPCS). Identifiers: Orphanet 157798, MedGen C4310714, MONDO:0014919, OMIM 617108.

gnomAD v4.1: 5 of 1,613,540 alleles (0.00031%); highest among the groups gnomAD compares: African/African-American, 0.0067%; no homozygotes.

Submissions (3):

Ambry Genetics
Classification: Uncertain significance. Last evaluated: 2025-09-01. Review status: criteria provided, single submitter. Criteria: Ambry Variant Classification Scheme 2023. Collection method: clinical testing. Allele origin: germline.

Baylor Genetics
Classification: Uncertain significance for Sessile serrated polyposis cancer syndrome. Last evaluated: 2024-03-04. Review status: criteria provided, single submitter. Criteria: ACMG Guidelines, 2015. Collection method: clinical testing. Allele origin: unknown.

GeneDx
Classification: Uncertain significance. Last evaluated: 2023-10-30. Review status: criteria provided, single submitter. Criteria: GeneDx Variant Classification Process June 2021. Collection method: clinical testing. Allele origin: germline. Affected: yes.
Comment: Not observed at significant frequency in large population cohorts (gnomAD); In silico analysis supports that this missense variant does not alter protein structure/function; Has not been previously published as pathogenic or benign to our knowledge; Variants in candidate genes are classified as variants of uncertain significance in accordance with ACMG guidelines (PMID: 25741868)